The following is an entry in ClinVar:

NM_025179.4(PLXNA2):c.4143C>T (p.Arg1381=)

Gene: PLXNA2 (plexin A2; minus strand). Cytogenetic location: 1q32.2.
Variant type: single nucleotide variant.
Coding change: c.4143C>T on transcript NM_025179.4 (MANE Select); coding-DNA position 4143, C replaced by T.
Protein change: p.Arg1381=; no amino-acid change (arginine 1381 retained).
Molecular consequence: synonymous variant.
Genome position (GRCh38, 1-based): chr1:208,042,241, G>A on the plus strand (C>T on the coding strand, the complement: PLXNA2 is on the minus strand). VCF-style: chr1-208042241-G-A. GRCh37 (hg19) VCF-style: chr1-208215586-G-A.
Identifiers: ClinVar variation 3036661 (VCV003036661.2), dbSNP rs780920790, ClinGen allele CA1372961.

ClinVar aggregate classification (germline): Likely benign (0 of 4 stars; one submission).

Conditions:
PLXNA2-related disorder. Also called: PLXNA2-related condition.

Allele frequency attached by ClinVar (database versions not stated): gnomAD 0.00001; gnomAD exomes 0.00002; TOPMed 0.00002; ExAC 0.00004.
gnomAD v4.1: 28 of 1,614,120 alleles (0.0017%); highest among the groups gnomAD compares: South Asian, 0.021%; no homozygotes.

Submission:

PreventionGenetics, part of Exact Sciences
Classification: Likely benign for PLXNA2-related condition. Last evaluated: 2022-12-19. Review status: no assertion criteria provided. Collection method: clinical testing. Allele origin: germline.
Comment: This variant is classified as likely benign based on ACMG/AMP sequence variant interpretation guidelines (Richards et al. 2015 PMID: 25741868, with internal and published modifications).